The following is an entry in ClinVar:

NM_007194.4(CHEK2):c.1039_1043del (p.Asp347fs)

Gene: CHEK2 (checkpoint kinase 2; minus strand). Cytogenetic location: 22q12.1.
Variant type: Deletion.
Coding change: c.1039_1043del on transcript NM_007194.4 (MANE Select); coding-DNA positions 1039 to 1043, 5 bases deleted (GACTT; older notation c.1039_1043delGACTT).
Protein change: p.Asp347fs; shifts the reading frame from aspartic acid 347.
Molecular consequence: frameshift variant. On other transcripts: intron variant (3).
Genome position (GRCh38, 1-based): chr22:28,696,953-28,696,957, AAGTC deleted on the plus strand (GACTT on the coding strand, the reverse complement: CHEK2 is on the minus strand); deleting any 5 consecutive bases within chr22:28,696,953-28,696,958 gives the same sequence; the c. name uses the placement nearest the transcript's 3' end. VCF-style (leftmost placement, unchanged base first): chr22-28696952-TAAGTC-T. GRCh37 (hg19) VCF-style: chr22-29092940-TAAGTC-T.
Other names: c.1168_1172del, p.Asp390fs (NM_001005735.3); c.376_380del, p.Asp126fs (NM_001257387.3, NM_001437942.1); c.838_842del, p.Asp280fs (NM_001349956.3); c.1132_1136del, p.Asp378fs (NM_001438293.1); c.1009-1084_1009-1080del (NM_145862.3); c.1102-1084_1102-1080del (NM_001438295.1); c.1138-1084_1138-1080del (NM_001438294.1); short protein forms D280fs, D390fs, D126fs, D347fs, D378fs.
Identifiers: ClinVar variation 2121235 (VCV002121235.4), dbSNP rs2517822167, ClinGen allele CA2580099568.

ClinVar aggregate classification (germline): Pathogenic (1 of 4 stars; one submission).

Conditions:
Familial cancer of breast. Also called: BREAST CANCER, FAMILIAL; Hereditary breast cancer; hereditary breast carcinoma. Identifiers: Orphanet 227535, MedGen C0346153, MONDO:0016419, OMIM 114480. Disease mechanism: loss of function.

Submission:

Labcorp Genetics (formerly Invitae), Labcorp
Classification: Pathogenic for Familial cancer of breast. Last evaluated: 2022-04-04. Review status: criteria provided, single submitter. Criteria: Invitae Variant Classification Sherloc (09022015). Collection method: clinical testing. Allele origin: germline.
Comment: This variant is not present in population databases (gnomAD no frequency). This variant has not been reported in the literature in individuals affected with CHEK2-related conditions. This sequence change creates a premature translational stop signal (p.Asp347Lysfs*20) in the CHEK2 gene. It is expected to result in an absent or disrupted protein product. Loss-of-function variants in CHEK2 are known to be pathogenic (PMID: 21876083, 24713400). For these reasons, this variant has been classified as Pathogenic.

Literature cited by the submitters: PubMed 21876083; PubMed 24713400.